The following is an entry in ClinVar:

ClinVar aggregate classification (germline): Uncertain significance (1 of 4 stars; one submission).

Conditions:
Hereditary cancer-predisposing syndrome. Also called: Tumor predisposition; Hereditary Cancer Syndrome; Hereditary neoplastic syndrome; Neoplastic Syndromes, Hereditary. Identifiers: Orphanet 140162, MedGen C0027672, MeSH D009386, MONDO:0015356.

Submission:

Ambry Genetics
Classification: Uncertain significance for Hereditary cancer-predisposing syndrome. Last evaluated: 2025-10-22. Review status: criteria provided, single submitter. Criteria: Ambry Variant Classification Scheme 2023. Collection method: clinical testing. Allele origin: germline.
Comment: The p.V190A variant (also known as c.569T>C), located in coding exon 3 of the XRCC2 gene, results from a T to C substitution at nucleotide position 569. The valine at codon 190 is replaced by alanine, an amino acid with similar properties. This amino acid position is conserved. In addition, this alteration is predicted to be tolerated by in silico analysis. Based on the available evidence, the clinical significance of this variant remains unclear.

NM_005431.2(XRCC2):c.569T>C (p.Val190Ala)

Gene: XRCC2 (X-ray repair cross complementing 2; minus strand). Cytogenetic location: 7q36.1.
Variant type: single nucleotide variant.
Coding change: c.569T>C on transcript NM_005431.2 (MANE Select); coding-DNA position 569, T replaced by C.
Protein change: p.Val190Ala; replaces valine 190 with alanine.
Molecular consequence: missense variant.
Genome position (GRCh38, 1-based): chr7:152,648,916, A>G on the plus strand (T>C on the coding strand, the complement: XRCC2 is on the minus strand). VCF-style: chr7-152648916-A-G. GRCh37 (hg19) VCF-style: chr7-152346001-A-G.
Other names: short protein forms V190A.
Identifiers: ClinVar variation 4558528 (VCV004558528.1).